The following is an entry in ClinVar:

ClinVar aggregate classification (germline): Uncertain significance. Review status: criteria provided, multiple submitters, no conflicts (2 of 4 stars). 2 submissions from 2 submitters: Uncertain significance (2). Last evaluated 2025-06-14.

Conditions:
Hereditary cancer-predisposing syndrome. Also called: Neoplastic Syndromes, Hereditary; Tumor predisposition; Hereditary Cancer Syndrome; Hereditary neoplastic syndrome. Identifiers: Orphanet 140162, MedGen C0027672, MeSH D009386, MONDO:0015356.

Allele frequency attached by ClinVar (database versions not stated): TOPMed below 0.00001; gnomAD 0.00001.
gnomAD v4.1: 1 of 1,613,244 alleles (0.000062%); highest among the groups gnomAD compares: Non-Finnish European, 0.000085%; no homozygotes.

Submissions (2):

Ambry Genetics
Classification: Uncertain significance for Hereditary cancer-predisposing syndrome. Last evaluated: 2025-06-14. Review status: criteria provided, single submitter. Criteria: Ambry Variant Classification Scheme 2023. Collection method: clinical testing. Allele origin: germline.
Comment: The p.Q303R variant (also known as c.908A>G), located in coding exon 7 of the RAD50 gene, results from an A to G substitution at nucleotide position 908. The glutamine at codon 303 is replaced by arginine, an amino acid with highly similar properties. This amino acid position is well conserved in available vertebrate species. In addition, this alteration is predicted to be tolerated by in silico analysis. Since supporting evidence is limited at this time, the clinical significance of this alteration remains unclear.

Labcorp Genetics (formerly Invitae), Labcorp
Classification: Uncertain significance for Hereditary cancer-predisposing syndrome. Last evaluated: 2024-04-29. Review status: criteria provided, single submitter. Criteria: Invitae Variant Classification Sherloc (09022015). Collection method: clinical testing. Allele origin: germline.
Comment: This sequence change replaces glutamine, which is neutral and polar, with arginine, which is basic and polar, at codon 303 of the RAD50 protein (p.Gln303Arg). This variant is not present in population databases (gnomAD no frequency). This variant has not been reported in the literature in individuals affected with RAD50-related conditions. ClinVar contains an entry for this variant (Variation ID: 482123). Advanced modeling of protein sequence and biophysical properties (such as structural, functional, and spatial information, amino acid conservation, physicochemical variation, residue mobility, and thermodynamic stability) has been performed at Invitae for this missense variant, however the output from this modeling did not meet the statistical confidence thresholds required to predict the impact of this variant on RAD50 protein function. In summary, the available evidence is currently insufficient to determine the role of this variant in disease. Therefore, it has been classified as a Variant of Uncertain Significance.

NM_005732.4(RAD50):c.908A>G (p.Gln303Arg)

Gene: RAD50 (RAD50 double strand break repair protein; plus strand). Cytogenetic location: 5q31.1.
Variant type: single nucleotide variant.
Coding change: c.908A>G on transcript NM_005732.4 (MANE Select); coding-DNA position 908, A replaced by G.
Protein change: p.Gln303Arg; replaces glutamine 303 with arginine.
Molecular consequence: missense variant.
Genome position (GRCh38, 1-based): chr5:132,587,946, A>G. VCF-style: chr5-132587946-A-G. GRCh37 (hg19) VCF-style: chr5-131923638-A-G.
Other names: short protein forms Q303R.
Identifiers: ClinVar variation 482123 (VCV000482123.14), dbSNP rs864622750, ClinGen allele CA360940841.